The following is an entry in ClinVar:

NM_033380.3(COL4A5):c.3553+1G>C

Gene: COL4A5 (collagen type IV alpha 5 chain; plus strand). Cytogenetic location: Xq22.3.
Variant type: single nucleotide variant.
Coding change: c.3553+1G>C on transcript NM_033380.3 (MANE Select); the canonical splice donor site of the intron after coding-DNA position 3553, G replaced by C.
Molecular consequence: splice donor variant.
Genome position (GRCh38, 1-based): chrX:108,666,595, G>C. VCF-style: chrX-108666595-G-C. GRCh37 (hg19) VCF-style: chrX-107909825-G-C.
Other names: c.3553+1G>C (NM_000495.5).
Identifiers: ClinVar variation 3644635 (VCV003644635.2).

ClinVar aggregate classification (germline): Likely pathogenic (1 of 4 stars; one submission).

Submission:

Labcorp Genetics (formerly Invitae), Labcorp
Classification: Likely pathogenic. Last evaluated: 2024-03-05. Review status: criteria provided, single submitter. Criteria: Invitae Variant Classification Sherloc (09022015). Collection method: clinical testing. Allele origin: germline.
Comment: This sequence change affects a donor splice site in intron 39 of the COL4A5 gene. It is expected to disrupt RNA splicing. Variants that disrupt the donor or acceptor splice site typically lead to a loss of protein function (PMID: 16199547), and loss-of-function variants in COL4A5 are known to be pathogenic (PMID: 9195222, 10752524, 14514738, 24854265, 26809805). This variant is not present in population databases (gnomAD no frequency). Disruption of this splice site has been observed in individual(s) with clinical features of COL4A5-related conditions (Invitae). Algorithms developed to predict the effect of sequence changes on RNA splicing suggest that this variant may disrupt the consensus splice site. In summary, the currently available evidence indicates that the variant is pathogenic, but additional data are needed to prove that conclusively. Therefore, this variant has been classified as Likely Pathogenic.

Literature cited by the submitters: PubMed 16199547; PubMed 9195222; PubMed 10752524; PubMed 14514738; PubMed 24854265; PubMed 26809805.